The following is an entry in ClinVar:

NM_052947.4(ALPK2):c.379C>A (p.His127Asn)

Gene: ALPK2 (alpha kinase 2; minus strand). Cytogenetic location: 18q21.31.
Variant type: single nucleotide variant.
Coding change: c.379C>A on transcript NM_052947.4 (MANE Select); coding-DNA position 379, C replaced by A.
Protein change: p.His127Asn; replaces histidine 127 with asparagine.
Molecular consequence: missense variant.
Genome position (GRCh38, 1-based): chr18:58,580,397, G>T on the plus strand (C>A on the coding strand, the complement: ALPK2 is on the minus strand). VCF-style: chr18-58580397-G-T. GRCh37 (hg19) VCF-style: chr18-56247629-G-T.
Other names: short protein forms H127N.
Identifiers: ClinVar variation 3530869 (VCV003530869.1).

ClinVar aggregate classification (germline): Uncertain significance (1 of 4 stars; one submission).

Submission:

Ambry Genetics
Classification: Uncertain significance. Last evaluated: 2024-07-25. Review status: criteria provided, single submitter. Criteria: Ambry Variant Classification Scheme 2023. Collection method: clinical testing. Allele origin: germline.
Comment: The p.H127N variant (also known as c.379C>A), located in coding exon 3 of the ALPK2 gene, results from a C to A substitution at nucleotide position 379. The histidine at codon 127 is replaced by asparagine, an amino acid with similar properties. This amino acid position is conserved. In addition, this alteration is predicted to be tolerated by in silico analysis. Based on the available evidence, the clinical significance of this variant remains unclear.